The following is an entry in ClinVar:

ClinVar aggregate classification (germline): Conflicting classifications of pathogenicity. Review status: criteria provided, conflicting classifications (1 of 4 stars). 3 submissions from 3 submitters: Uncertain significance (1); Likely benign (1). 1 of the submissions does not count toward it. Last evaluated 2025-05-11.

Conditions:
GABRD-related disorder. Also called: GABRD-related condition.
Idiopathic generalized epilepsy. Also called: EIG; Generalised epilepsy. Identifiers: MedGen C0270850, MONDO:0005579, OMIM 600669.
Inborn genetic diseases. Identifiers: MedGen C0950123, MeSH D030342.

Allele frequency attached by ClinVar (database versions not stated): TOPMed 0.00005; 1000 Genomes Project 30x 0.00031; 1000 Genomes Project 0.00040.
gnomAD v4.1: 166 of 1,611,452 alleles (0.01%); highest among the groups gnomAD compares: South Asian, 0.042%; no homozygotes.

Submissions (3):

Labcorp Genetics (formerly Invitae), Labcorp
Classification: Likely benign for Idiopathic generalized epilepsy. Last evaluated: 2025-05-11. Review status: criteria provided, single submitter. Criteria: Invitae Variant Classification Sherloc (09022015). Collection method: clinical testing. Allele origin: germline.

Ambry Genetics
Classification: Uncertain significance for Inborn genetic diseases. Last evaluated: 2024-02-21. Review status: criteria provided, single submitter. Criteria: Ambry Variant Classification Scheme 2023. Collection method: clinical testing. Allele origin: germline.

PreventionGenetics, part of Exact Sciences
Classification: Likely benign for GABRD-related condition. Last evaluated: 2024-01-11. Review status: no assertion criteria provided. Collection method: clinical testing. Allele origin: germline. Not counted in ClinVar's aggregate classification.
Comment: This variant is classified as likely benign based on ACMG/AMP sequence variant interpretation guidelines (Richards et al. 2015 PMID: 25741868, with internal and published modifications).

NM_000815.5(GABRD):c.1136G>A (p.Arg379Gln)

Gene: GABRD (gamma-aminobutyric acid type A receptor subunit delta; plus strand). Cytogenetic location: 1p36.33.
Variant type: single nucleotide variant.
Coding change: c.1136G>A on transcript NM_000815.5 (MANE Select); coding-DNA position 1136, G replaced by A.
Protein change: p.Arg379Gln; replaces arginine 379 with glutamine.
Molecular consequence: missense variant.
Genome position (GRCh38, 1-based): chr1:2,030,059, G>A. VCF-style: chr1-2030059-G-A. GRCh37 (hg19) VCF-style: chr1-1961498-G-A.
Other names: short protein forms R379Q.
Identifiers: ClinVar variation 944623 (VCV000944623.13), dbSNP rs369490217, ClinGen allele CA534920.
Genomic context (GRCh38, chr1:2,030,059, plus strand): 5'-CCATTGTCCTCTTCTCCCTCTCTGCTGCCGGCGTCACGCAGGAGCTGGCCATCTCCCGCC[G>A]GCAGCGCCGCGTCCCGGGGAACCTGATGGGCTCCTACAGGTCGGTGGGGGTGGAGACAGG-3'
Protein context (NP_000806.2, residues 369-389): GVTQELAISR[Arg379Gln]QRRVPGNLMG